The following is an entry in ClinVar:

NM_015057.5(MYCBP2):c.4007G>A (p.Arg1336Gln)

Gene: MYCBP2 (MYC binding protein 2; minus strand). Cytogenetic location: 13q22.3.
Variant type: single nucleotide variant.
Coding change: c.4007G>A on transcript NM_015057.5 (MANE Select); coding-DNA position 4007, G replaced by A.
Protein change: p.Arg1336Gln; replaces arginine 1336 with glutamine.
Molecular consequence: missense variant.
Genome position (GRCh38, 1-based): chr13:77,191,742, C>T on the plus strand (G>A on the coding strand, the complement: MYCBP2 is on the minus strand). VCF-style: chr13-77191742-C-T. GRCh37 (hg19) VCF-style: chr13-77765877-C-T.
Other names: short protein forms R1336Q.
Identifiers: ClinVar variation 5020373 (VCV005020373.1).
Genomic context (GRCh38, chr13:77,191,742, plus strand): 5'-TCATCTGTGGTAATAGATGCCTGTCCATGAGATCCACAGTCACTGCTGGGTCCTGACACT[C>T]GGGCCCATGCCACATACCACCACCCAGCTTGCAGGAGAACAGGCTCATCAAACATCATTG-3'
Protein context (NP_055872.4, residues 1326-1346): QAGWWYVAWA[Arg1336Gln]VSGPSSDCGS

ClinVar aggregate classification (germline): Uncertain significance (1 of 4 stars; one submission).

gnomAD v4.1: 4 of 1,613,988 alleles (0.00025%); highest among the groups gnomAD compares: South Asian, 0.0011%; no homozygotes.

Submission:

Dasa
Classification: Uncertain significance. Last evaluated: 2026-06-15. Review status: criteria provided, single submitter. Criteria: DASA Assertion Criteria. Collection method: clinical testing. Allele origin: germline.
Comment: NM_015057.5(MYCBP2):c.4007G>A (p.Arg1336Gln) is a missense variant that results in the substitution of arginine with glutamine. This variant is rare in population databases. The currently available literature and clinical evidence are not sufficient to establish a definitive association between this variant and the reported condition. Therefore, this variant is classified as a variant of uncertain significance.